The following is an entry in ClinVar:

ClinVar aggregate classification (germline): Uncertain significance (1 of 4 stars; one submission).

Conditions:
Dyskeratosis congenita, autosomal recessive 6 (DKCB6). Identifiers: MedGen C4225356, MONDO:0014600, OMIM 616353.
Pulmonary fibrosis and/or bone marrow failure, Telomere-related, 4. Also called: PULMONARY FIBROSIS AND/OR BONE MARROW FAILURE SYNDROME, TELOMERE-RELATED, 4. Identifiers: Orphanet 2032, MedGen C4225347, MONDO:0014612, OMIM 616371.

Submission:

Labcorp Genetics (formerly Invitae), Labcorp
Classification: Uncertain significance for Dyskeratosis congenita, autosomal recessive 6; Pulmonary fibrosis and/or bone marrow failure, Telomere-related, 4. Last evaluated: 2025-07-17. Review status: criteria provided, single submitter. Criteria: Invitae Variant Classification Sherloc (09022015). Collection method: clinical testing. Allele origin: germline.
Comment: This sequence change replaces alanine, which is neutral and non-polar, with threonine, which is neutral and polar, at codon 156 of the PARN protein (p.Ala156Thr). This variant is not present in population databases (gnomAD no frequency). This variant has not been reported in the literature in individuals affected with PARN-related conditions. ClinVar contains an entry for this variant (Variation ID: 2922478). An algorithm developed to predict the effect of missense changes on protein structure and function (PolyPhen-2) suggests that this variant is likely to be tolerated. In summary, the available evidence is currently insufficient to determine the role of this variant in disease. Therefore, it has been classified as a Variant of Uncertain Significance.

NM_002582.4(PARN):c.466G>A (p.Ala156Thr)

Gene: PARN (poly(A)-specific ribonuclease; minus strand). Cytogenetic location: 16p13.12.
Variant type: single nucleotide variant.
Coding change: c.466G>A on transcript NM_002582.4 (MANE Select); coding-DNA position 466, G replaced by A.
Protein change: p.Ala156Thr; replaces alanine 156 with threonine.
Molecular consequence: missense variant.
Genome position (GRCh38, 1-based): chr16:14,610,732, C>T on the plus strand (G>A on the coding strand, the complement: PARN is on the minus strand). VCF-style: chr16-14610732-C-T. GRCh37 (hg19) VCF-style: chr16-14704589-C-T.
Other names: c.283G>A, p.Ala95Thr (NM_001134477.3); c.328G>A, p.Ala110Thr (NM_001242992.2); short protein forms A95T, A110T, A156T.
Identifiers: ClinVar variation 2922478 (VCV002922478.3), dbSNP rs200103366, ClinGen allele CA394810971.